The following is an entry in ClinVar:

ClinVar aggregate classification (germline): Conflicting classifications of pathogenicity. Review status: criteria provided, conflicting classifications (1 of 4 stars). 3 submissions from 3 submitters: Likely pathogenic (2); Uncertain significance (1). Last evaluated 2024-04-13.

Conditions:
Malaria, susceptibility to. Identifiers: Orphanet 673, MedGen C1970028, MONDO:0021024, OMIM 611162.
Anemia, nonspherocytic hemolytic, due to G6PD deficiency (CNSHA1). Also called: Hemolytic anemia due to G6PD deficiency; Class I glucose-6-phosphate dehydrogenase deficiency; Favism, susceptibility to; ANEMIA, CONGENITAL, NONSPHEROCYTIC HEMOLYTIC, 1. Identifiers: Orphanet 466026, MedGen C2720289, MONDO:0010480, OMIM 300908.

Allele frequency attached by ClinVar (database versions not stated): gnomAD exomes below 0.00001; ExAC 0.00001.
gnomAD v4.1: 4 of 1,211,247 alleles (0.00033%); highest among the groups gnomAD compares: Admixed American, 0.0043%; no homozygotes.

Submissions (3):

Fulgent Genetics
Classification: Likely pathogenic for Anemia, nonspherocytic hemolytic, due to G6PD deficiency; Malaria, susceptibility to. Last evaluated: 2024-04-13. Review status: criteria provided, single submitter. Criteria: ACMG Guidelines, 2015. Collection method: clinical testing. Allele origin: germline.

Women's Health and Genetics/Laboratory Corporation of America, LabCorp
Classification: Uncertain significance. Last evaluated: 2024-04-10. Review status: criteria provided, single submitter. Criteria: LabCorp Variant Classification Summary - May 2015. Collection method: clinical testing. Allele origin: germline.
Comment: Variant summary: G6PD c.1381G>A (p.Val461Met) results in a conservative amino acid change located in the Glucose-6-phosphate dehydrogenase, C-terminal domain (IPR022675) of the encoded protein sequence. Three of five in-silico tools predict a benign effect of the variant on protein function. The variant allele was found at a frequency of 5.5e-06 in 182535 control chromosomes (gnomAD). The available data on variant occurrences in the general population are insufficient to allow any conclusion about variant significance. c.1381G>A has been reported in the literature in a hemizygous individual affected with features of Glucose 6 Phosphate Dehydrogenase Deficiency (Iwai_2001). These data do not allow any conclusion about variant significance. To our knowledge, no experimental evidence demonstrating an impact on protein function has been reported. The following publication has been ascertained in the context of this evaluation (PMID: 11499668). ClinVar contains an entry for this variant (Variation ID: 1722623). Based on the evidence outlined above, the variant was classified as uncertain significance.

Dunham Lab, University of Washington
Classification: Likely pathogenic for Anemia, nonspherocytic hemolytic, due to G6PD deficiency. Last evaluated: 2022-08-12. Review status: criteria provided, single submitter. Criteria: Bayesian ACMG Guidelines, 2018. Collection method: curation. Allele origin: unknown. Affected: yes.
Comment: Decreased activity in red blood cells (PS3). Below expected carrier frequency in gnomAD (PM2). Post_P 0.949 (odds of pathogenicity 168.4, Prior_P 0.1).

Literature cited by the submitters: PubMed 11499668 (cited by Women's Health and Genetics/Laboratory Corporation of America, LabCorp and Dunham Lab, University of Washington).

NM_001360016.2(G6PD):c.1291G>A (p.Val431Met)

Gene: G6PD (glucose-6-phosphate dehydrogenase; minus strand). Cytogenetic location: Xq28.
Variant type: single nucleotide variant.
Coding change: c.1291G>A on transcript NM_001360016.2 (MANE Select); coding-DNA position 1291, G replaced by A.
Protein change: p.Val431Met; replaces valine 431 with methionine.
Molecular consequence: missense variant.
Genome position (GRCh38, 1-based): chrX:154,532,459, C>T on the plus strand (G>A on the coding strand, the complement: G6PD is on the minus strand). VCF-style: chrX-154532459-C-T. GRCh37 (hg19) VCF-style: chrX-153760674-C-T.
Other names: G6PD Surabaya; c.1381G>A, p.Val461Met (NM_000402.4); c.1291G>A, p.Val431Met (NM_001042351.3); short protein forms V431M, V461M.
Identifiers: ClinVar variation 1722623 (VCV001722623.4), dbSNP rs782098548, ClinGen allele CA10566042.